The following is an entry in ClinVar:

ClinVar aggregate classification (germline): Uncertain significance. Review status: criteria provided, multiple submitters, no conflicts (2 of 4 stars). 4 submissions from 4 submitters: Uncertain significance (3). 1 of the submissions does not count toward it. Last evaluated 2024-10-09.

Conditions:
Autosomal dominant polycystic kidney disease. Identifiers: Orphanet 730, MedGen C0085413, MONDO:0004691.
Polycystic kidney disease, adult type (PKD1). Also called: Polycystic Kidney Disease 1, Autosomal Dominant; Polycystic kidney disease 1; Polycystic kidney disease 1, severe; POLYCYSTIC KIDNEY DISEASE 1 WITH OR WITHOUT POLYCYSTIC LIVER DISEASE; POLYCYSTIC KIDNEY DISEASE, ADULT, TYPE I; Polycystic Kidney, Autosomal Dominant. Identifiers: MedGen C3149841, MONDO:0008263, OMIM 173900.

Allele frequency attached by ClinVar (database versions not stated): gnomAD 0.00002 and 0.00003; gnomAD exomes 0.00002 and 0.00005; TOPMed 0.00002.
gnomAD v4.1: 74 of 1,585,328 alleles (0.0047%); highest among the groups gnomAD compares: Non-Finnish European, 0.0058%; no homozygotes.

Submissions (4):

Victorian Clinical Genetics Services, Murdoch Childrens Research Institute
Classification: Uncertain significance for Polycystic kidney disease, adult type. Last evaluated: 2024-10-09. Review status: criteria provided, single submitter. Criteria: ACMG Guidelines, 2015. Collection method: clinical testing. Allele origin: germline. Inheritance: Autosomal dominant inheritance.
Comment: Based on the classification scheme VCGS_Germline_v1.3.4, this variant is classified as VUS-3B. Following criteria are met: 0102 - Loss of function is a known mechanism of disease in this gene and is associated with polycystic kidney disease 1 (PKD; MIM#173900). (I) 0107 - This gene is associated with autosomal dominant disease. Polycystic kidney disease 1 (MIM#173900) is predominantly caused by monoallelic variants, with rare reports of biallelic variants causing disease (OMIM). (I) 0200 - Variant is predicted to result in a missense amino acid change from threonine to methionine. (I) 0251 - This variant is heterozygous. (I) 0302 - Variant is present in gnomAD (v2) <0.001 for a dominant condition (6 heterozygotes, 0 homozygotes). (SP) 0502 - Missense variant with conflicting in silico predictions and high conservation. (I) 0604 - Variant is not located in an established domain, motif, hotspot or informative constraint region. (I) 0710 - Another missense variant comparable to the one identified in this case has inconclusive previous evidence for pathogenicity. An alternative change, p.(Thr2647Pro), has been classified as likely pathogenic in an individual from a cohort with ADPKD, however, classification of this variant was primarily based on in silico predictions (PMID: 24611717). (I) 0809 - Previous evidence of pathogenicity for this variant is inconclusive. This variant has been reported in an individual with ADPKD who also has a second variant in PKD1 (PMID: 28378423). This variant has also been classified as a VUS by a clinical laboratory in ClinVar. (I) 0905 - No published segregation evidence has been identified for this variant. (I) 1007 - No published functional evidence has been identified for this variant. (I) 1208 - Inheritance information for this variant is not currently available in this individual. (I) Legend: (SP) - Supporting pathogenic, (I) - Information, (SB) - Supporting benign

Department of Pathology and Laboratory Medicine, Sinai Health System
Classification: Uncertain significance for Polycystic kidney disease, adult type. Last evaluated: 2024-07-09. Review status: criteria provided, single submitter. Criteria: ACMG Guidelines, 2015. Collection method: clinical testing. Allele origin: germline. Affected: yes.

CeGaT Center for Human Genetics Tuebingen
Classification: Uncertain significance. Last evaluated: 2023-04-01. Review status: criteria provided, single submitter. Criteria: CeGaT Center For Human Genetics Tuebingen Variant Classification Criteria Version 2. Collection method: clinical testing. Allele origin: germline. Affected: yes. Observed: 1 variant allele.
Comment: PKD1: PS4:Supporting

Laboratory of Gastroenterology and Hepatology, Radboud University Medical Center
Classification: Likely pathogenic for Autosomal dominant polycystic kidney disease. Last evaluated: 2021-09-01. Review status: no assertion criteria provided. Collection method: research. Allele origin: germline. Affected: yes. Not counted in ClinVar's aggregate classification.

Literature cited by the submitters: PubMed 24611717 (cited by Victorian Clinical Genetics Services, Murdoch Childrens Research Institute); PubMed 28378423 (cited by Victorian Clinical Genetics Services, Murdoch Childrens Research Institute).

NM_001009944.3(PKD1):c.7940C>T (p.Thr2647Met)

Gene: PKD1 (polycystin 1, transient receptor potential channel interacting; minus strand). Cytogenetic location: 16p13.3.
Variant type: single nucleotide variant.
Coding change: c.7940C>T on transcript NM_001009944.3 (MANE Select); coding-DNA position 7940, C replaced by T.
Protein change: p.Thr2647Met; replaces threonine 2647 with methionine.
Molecular consequence: missense variant.
Genome position (GRCh38, 1-based): chr16:2,105,398, G>A on the plus strand (C>T on the coding strand, the complement: PKD1 is on the minus strand). VCF-style: chr16-2105398-G-A. GRCh37 (hg19) VCF-style: chr16-2155399-G-A.
Other names: c.7940C>T (NM_001009944.2); c.7940C>T, p.Thr2647Met (NM_000296.4); short protein forms T2647M.
Identifiers: ClinVar variation 1255642 (VCV001255642.28), dbSNP rs748496650, ClinGen allele CA276778062.
Genomic context (GRCh38, chr16:2,105,398, plus strand): 5'-GCAGCAGCGATCTGCTGGATGTCATCCACAGTGTGGACCCTCAGGGACACCAGAGTCTCC[G>A]TGATGTTCTTGCGTATCTGGGCTCGGTGCTGCCGCTCGTGCTTGGGCTCTGCCGCCACGT-3'
Protein context (NP_001009944.3, residues 2637-2657): QHRAQIRKNI[Thr2647Met]ETLVSLRVHT